The following is an entry in ClinVar:

ClinVar aggregate classification (germline): Conflicting classifications of pathogenicity. Review status: criteria provided, conflicting classifications (1 of 4 stars). 3 submissions from 3 submitters: Pathogenic (2); Uncertain significance (1). Last evaluated 2026-06-24.

Conditions:
Childhood hypophosphatasia. Identifiers: Orphanet 247667, Orphanet 436, MedGen C0220743, MONDO:1010168, OMIM 241510, MONDO:0009428.
Adult hypophosphatasia. Identifiers: Orphanet 247676, Orphanet 436, MedGen C0268413, MONDO:1010154, OMIM 146300, MONDO:0007798.
Infantile hypophosphatasia. Identifiers: Orphanet 247651, Orphanet 436, MedGen C0268412, MONDO:1010169, OMIM 241500, MONDO:0009427.
Hypophosphatasia. Also called: Phosphoethanol-aminuria. Identifiers: Orphanet 436, MedGen C0020630, MeSH D007014, MONDO:0018570.

gnomAD v4.1: 2 of 1,614,078 alleles (0.00012%); highest among the groups gnomAD compares: Non-Finnish European, 0.00017%; no homozygotes.

Submissions (3):

Women's Health and Genetics/Laboratory Corporation of America, LabCorp
Classification: Pathogenic for Hypophosphatasia. Last evaluated: 2026-06-24. Review status: criteria provided, single submitter. Criteria: LabCorp Variant Classification Summary - May 2015. Collection method: clinical testing. Allele origin: germline.
Comment: Variant summary: ALPL c.587C>G (p.Ala196Gly) results in a non-conservative amino acid change in the encoded protein sequence. Algorithms developed to predict the effect of missense changes on protein structure and function all suggest that this variant is likely to be disruptive. The variant was absent in 251240 control chromosomes. c.587C>G has been observed in heterozygous individual(s) affected with Hypophosphatasia (internal_testing) and observed to segregate with disease. These data indicate that the variant may be associated with disease. To our knowledge, no experimental evidence demonstrating an impact on protein function has been reported. Internally validated machine learning-based Evidence Modeling of protein sequence and biophysical properties (such as structural, functional, and spatial information, amino acid conservation, physicochemical variation, residue mobility, and thermodynamic stability) indicates that this missense variant is expected to disrupt protein function with a positive predictive value of at least 95%. ClinVar contains an entry for this variant (Variation ID: 3579953). Based on the evidence outlined above, the variant was classified as pathogenic for dominant and recessive Hypophosphatasia.

Labcorp Genetics (formerly Invitae), Labcorp
Classification: Pathogenic. Last evaluated: 2025-10-01. Review status: criteria provided, single submitter. Criteria: Invitae Variant Classification Sherloc (09022015). Collection method: clinical testing. Allele origin: germline.
Comment: This sequence change replaces alanine, which is neutral and non-polar, with glycine, which is neutral and non-polar, at codon 196 of the ALPL protein (p.Ala196Gly). This variant is not present in population databases (gnomAD no frequency). This missense change has been observed in individual(s) with clinical features of hypophosphatasia (internal data). It has also been observed to segregate with disease in related individuals. ClinVar contains an entry for this variant (Variation ID: 3579953). Invitae Evidence Modeling of protein sequence and biophysical properties (such as structural, functional, and spatial information, amino acid conservation, physicochemical variation, residue mobility, and thermodynamic stability) indicates that this missense variant is expected to disrupt ALPL protein function with a positive predictive value of 95%. For these reasons, this variant has been classified as Pathogenic.

Fulgent Genetics
Classification: Uncertain significance for Adult hypophosphatasia; Infantile hypophosphatasia; Childhood hypophosphatasia. Last evaluated: 2024-02-07. Review status: criteria provided, single submitter. Criteria: ACMG Guidelines, 2015. Collection method: clinical testing. Allele origin: germline.

NM_000478.6(ALPL):c.587C>G (p.Ala196Gly)

Gene: ALPL (alkaline phosphatase, biomineralization associated; plus strand). Cytogenetic location: 1p36.12.
Variant type: single nucleotide variant.
Coding change: c.587C>G on transcript NM_000478.6 (MANE Select); coding-DNA position 587, C replaced by G.
Protein change: p.Ala196Gly; replaces alanine 196 with glycine.
Molecular consequence: missense variant.
Genome position (GRCh38, 1-based): chr1:21,564,155, C>G. VCF-style: chr1-21564155-C-G. GRCh37 (hg19) VCF-style: chr1-21890648-C-G.
Other names: c.422C>G, p.Ala141Gly (NM_001127501.4); c.356C>G, p.Ala119Gly (NM_001177520.3); c.587C>G, p.Ala196Gly (NM_001369803.2, NM_001369804.2, NM_001369805.2); short protein forms A141G, A196G, A119G.
Identifiers: ClinVar variation 3579953 (VCV003579953.3).
Genomic context (GRCh38, chr1:21,564,155, plus strand): 5'-CCGCCTACGCCCACTCGGCTGACCGGGACTGGTACTCAGACAACGAGATGCCCCCTGAGG[C>G]CTTGAGCCAGGGCTGTAAGGACATCGCCTACCAGCTCATGCATAACATCAGGGACATTGA-3'
Protein context (NP_000469.3, residues 186-206): WYSDNEMPPE[Ala196Gly]LSQGCKDIAY